The following is an entry in ClinVar:

NM_001161403.3(LIMS2):c.927C>T (p.Tyr309=)

Gene: LIMS2 (LIM zinc finger domain containing 2; minus strand). Cytogenetic location: 2q14.3.
Variant type: single nucleotide variant.
Coding change: c.927C>T on transcript NM_001161403.3 (MANE Select); coding-DNA position 927, C replaced by T.
Protein change: p.Tyr309=; no amino-acid change (tyrosine 309 retained).
Molecular consequence: synonymous variant.
Genome position (GRCh38, 1-based): chr2:127,639,380, G>A on the plus strand (C>T on the coding strand, the complement: LIMS2 is on the minus strand). VCF-style: chr2-127639380-G-A. GRCh37 (hg19) VCF-style: chr2-128396955-G-A.
Other names: c.993C>T, p.Tyr331= (NM_001136037.4); c.912C>T, p.Tyr304= (NM_001161404.2); c.471C>T, p.Tyr157= (NM_001161405.1, NM_001256542.2); c.999C>T, p.Tyr333= (NM_017980.5).
Identifiers: ClinVar variation 2045605 (VCV002045605.8), dbSNP rs368451336, ClinGen allele CA1862804.

ClinVar aggregate classification (germline): Likely benign. Review status: criteria provided, multiple submitters, no conflicts (2 of 4 stars). 2 submissions from 2 submitters: Likely benign (2). Last evaluated 2026-01-01.

Conditions:
Autosomal recessive limb-girdle muscular dystrophy type 2W (MDRCMTT). Also called: Muscular dystrophy, autosomal recessive, with cardiomyopathy and triangular tongue; Muscular dystrophy, limb-girdle, type 2W. Identifiers: MedGen C4225192, MONDO:0014788, OMIM 616827.

gnomAD v4.1: 90 of 1,613,904 alleles (0.0056%); highest among the groups gnomAD compares: East Asian, 0.062%; no homozygotes.

Submissions (2):

CeGaT Center for Human Genetics Tuebingen
Classification: Likely benign. Last evaluated: 2026-01-01. Review status: criteria provided, single submitter. Criteria: CeGaT Center For Human Genetics Tuebingen Variant Classification Criteria Version 2. Collection method: clinical testing. Allele origin: germline. Affected: yes. Observed: 1 variant allele.
Comment: LIMS2: BP4, BP7

Labcorp Genetics (formerly Invitae), Labcorp
Classification: Likely benign for Autosomal recessive limb-girdle muscular dystrophy type 2W. Last evaluated: 2025-10-26. Review status: criteria provided, single submitter. Criteria: Invitae Variant Classification Sherloc (09022015). Collection method: clinical testing. Allele origin: germline.